The following is an entry in ClinVar:

ClinVar aggregate classification (germline): Pathogenic (1 of 4 stars; one submission).

Conditions:
VPS13A-related neurodegenerative disease. Also called: VPS13A Disease; Choreaacanthocytosis; ACANTHOCYTOSIS WITH NEUROLOGIC DISORDER; LEVINE-CRITCHLEY SYNDROME; Choreoacanthocytosis; Chorea-acanthocytosis. Identifiers: Orphanet 2388, MedGen C0393576, MONDO:0008695, OMIM 200150.

Submission:

3billion
Classification: Pathogenic for VPS13A-related neurodegenerative disease. Last evaluated: 2024-11-15. Review status: criteria provided, single submitter. Criteria: ACMG Guidelines, 2015. Collection method: clinical testing. Allele origin: germline. Affected: yes.
Comment: The variant is not observed in the gnomAD v4.1.0 dataset. Predicted Consequence/Location: Canonical splice site: predicted to alter splicing and result in a loss or disruption of normal protein function. Multiple pathogenic loss-of-function variants are reported downstream of the variant. In silico tools predict the variant to alter splicing and produce an abnormal transcript [SpliceAI: 0.87 (spliceogenicity >=0.2, non-spliceogenicity <0.1)]. Therefore, this variant is classified as Pathogenic according to the recommendation of ACMG/AMP guideline.

NM_033305.3(VPS13A):c.5991+1G>A

Gene: VPS13A (vacuolar protein sorting 13 homolog A; plus strand). Cytogenetic location: 9q21.2.
Variant type: single nucleotide variant.
Coding change: c.5991+1G>A on transcript NM_033305.3 (MANE Select); the canonical splice donor site of the intron after coding-DNA position 5991, G replaced by A.
Molecular consequence: splice donor variant.
Genome position (GRCh38, 1-based): chr9:77,323,228, G>A. VCF-style: chr9-77323228-G-A. GRCh37 (hg19) VCF-style: chr9-79938144-G-A.
Other names: c.5874+1G>A (NM_001018037.2); c.5991+1G>A (NM_015186.4, NM_001018038.3).
Identifiers: ClinVar variation 4292929 (VCV004292929.1).